The following is an entry in ClinVar:

ClinVar aggregate classification (germline): Uncertain significance (1 of 4 stars; one submission).

Conditions:
Hereditary cancer-predisposing syndrome. Also called: Neoplastic Syndromes, Hereditary; Tumor predisposition; Hereditary neoplastic syndrome; Hereditary Cancer Syndrome. Identifiers: Orphanet 140162, MedGen C0027672, MeSH D009386, MONDO:0015356.

Submission:

Ambry Genetics
Classification: Uncertain significance for Hereditary cancer-predisposing syndrome. Last evaluated: 2024-05-28. Review status: criteria provided, single submitter. Criteria: Ambry Variant Classification Scheme 2023. Collection method: clinical testing. Allele origin: germline.
Comment: The p.K119N variant (also known as c.357G>C), located in coding exon 2 of the TMEM127 gene, results from a G to C substitution at nucleotide position 357. The lysine at codon 119 is replaced by asparagine, an amino acid with similar properties. This amino acid position is conserved. In addition, this alteration is predicted to be tolerated by in silico analysis. Based on the available evidence, the clinical significance of this variant remains unclear.

NM_017849.4(TMEM127):c.357G>C (p.Lys119Asn)

Gene: TMEM127 (transmembrane protein 127; minus strand). Cytogenetic location: 2q11.2.
Variant type: single nucleotide variant.
Coding change: c.357G>C on transcript NM_017849.4 (MANE Select); coding-DNA position 357, G replaced by C.
Protein change: p.Lys119Asn; replaces lysine 119 with asparagine.
Molecular consequence: missense variant.
Genome position (GRCh38, 1-based): chr2:96,254,885, C>G on the plus strand (G>C on the coding strand, the complement: TMEM127 is on the minus strand). VCF-style: chr2-96254885-C-G. GRCh37 (hg19) VCF-style: chr2-96920623-C-G.
Other names: c.357G>C, p.Lys119Asn (NM_001193304.3); c.105G>C, p.Lys35Asn (NM_001407282.1, NM_001407283.1); short protein forms K35N, K119N.
Identifiers: ClinVar variation 3326710 (VCV003326710.1).
Genomic context (GRCh38, chr2:96,254,885, plus strand): 5'-CGGCTTACCCGTTAGGATATGGGCGAAGGCATAGCGACGAGTGATCTTCAGAGCAGGATG[C>G]TTCGGCCCAAAGACATCCAGAAGGAAAGCGGAGAGACTACACAGGATGCCCAGGAAACAG-3'
Protein context (NP_060319.1, residues 109-129): SAFLLDVFGP[Lys119Asn]HPALKITRRY